The following is an entry in ClinVar:

ClinVar aggregate classification (germline): Likely pathogenic (1 of 4 stars; one submission).

Conditions:
ADCY10-related disorder. Also called: ADCY10-related condition.

gnomAD v4.1: 12 of 1,604,418 alleles (0.00075%); highest among the groups gnomAD compares: Admixed American, 0.017%; no homozygotes.

Submission:

PreventionGenetics, part of Exact Sciences
Classification: Likely pathogenic for ADCY10-related condition. Last evaluated: 2025-06-07. Review status: criteria provided, single submitter. Criteria: ACMG Guidelines, 2015. Collection method: clinical testing. Allele origin: germline.
Comment: The ADCY10 c.1810-1G>T variant is predicted to disrupt the AG splice acceptor site and interfere with normal splicing. To our knowledge, this variant has not been reported in the literature or in a large population database (gnomAD), indicating this variant is rare. Variants that disrupt the consensus splice acceptor site in ADCY10 are expected to be pathogenic. This variant is interpreted as likely pathogenic.

NM_018417.6(ADCY10):c.1810-1G>T

Gene: ADCY10 (adenylate cyclase 10; minus strand). Cytogenetic location: 1q24.2.
Variant type: single nucleotide variant.
Coding change: c.1810-1G>T on transcript NM_018417.6 (MANE Select); the canonical splice acceptor site of the intron before coding-DNA position 1810, G replaced by T.
Molecular consequence: splice acceptor variant.
Genome position (GRCh38, 1-based): chr1:167,859,894, C>A on the plus strand (G>T on the coding strand, the complement: ADCY10 is on the minus strand). VCF-style: chr1-167859894-C-A. GRCh37 (hg19) VCF-style: chr1-167829132-C-A.
Other names: c.1351-1G>T (NM_001167749.3); c.1534-1G>T (NM_001297772.2).
Identifiers: ClinVar variation 4982943 (VCV004982943.1).
Genomic context (GRCh38, chr1:167,859,894, plus strand): 5'-TTCCAATTGTTTTTGCTTTTTCAAGGTGCTCATCCTGGAAATCTCCCGAGAAATAGGGAA[C>A]TGTACAAAGAATTATGAGAATATTGAGTATGGGAAAATAGCAAAGGGAACTACTGGCTAT-3'